The following is an entry in ClinVar:

NM_020433.5(JPH2):c.949G>A (p.Glu317Lys)

Gene: JPH2 (junctophilin 2; minus strand). Cytogenetic location: 20q13.12.
Variant type: single nucleotide variant.
Coding change: c.949G>A on transcript NM_020433.5 (MANE Select); coding-DNA position 949, G replaced by A.
Protein change: p.Glu317Lys; replaces glutamic acid 317 with lysine.
Molecular consequence: missense variant.
Genome position (GRCh38, 1-based): chr20:44,159,838, C>T on the plus strand (G>A on the coding strand, the complement: JPH2 is on the minus strand). VCF-style: chr20-44159838-C-T. GRCh37 (hg19) VCF-style: chr20-42788478-C-T.
Other names: c.949G>A (NM_020433.4); short protein forms E317K.
Identifiers: ClinVar variation 1009029 (VCV001009029.13), dbSNP rs1054295023, ClinGen allele CA314629274.
Genomic context (GRCh38, chr20:44,159,838, plus strand): 5'-CGCGGTGGCCGTCGGGCAGCGTGGTGCAGCCATAGCCGTGGCGCAGGTTGTCCAGCCACT[C>T]GCCCTCGTAGCGGAGGCCACTGGAGCGTTCGCTCACGCCGAAGCCCGAGCGTTTGTCGTT-3'
Protein context (NP_065166.2, residues 307-327): ERSSGLRYEG[Glu317Lys]WLDNLRHGYG

ClinVar aggregate classification (germline): Uncertain significance. Review status: criteria provided, multiple submitters, no conflicts (2 of 4 stars). 4 submissions from 4 submitters: Uncertain significance (4). Last evaluated 2026-04-27.

Conditions:
Cardiovascular phenotype. Identifiers: MedGen CN230736.
Hypertrophic cardiomyopathy 17. Identifiers: MedGen C3151264, MONDO:0013474, OMIM 613873.
Cardiomyopathy, dilated, 2E. Identifiers: MedGen C5561970, MONDO:0030366, OMIM 619492.
Hypertrophic cardiomyopathy. Also called: HYPERTROPHIC MYOCARDIOPATHY. Identifiers: Orphanet 217569, MedGen C0007194, MeSH D002312, MONDO:0005045, HP:0001639.

Allele frequency attached by ClinVar (database versions not stated): gnomAD exomes below 0.00001; TOPMed 0.00002.
gnomAD v4.1: 5 of 1,613,478 alleles (0.00031%); highest among the groups gnomAD compares: South Asian, 0.0033%; no homozygotes.

Submissions (4):

Women's Health and Genetics/Laboratory Corporation of America, LabCorp
Classification: Uncertain significance. Last evaluated: 2026-04-27. Review status: criteria provided, single submitter. Criteria: LabCorp Variant Classification Summary - May 2015. Collection method: clinical testing. Allele origin: germline.
Comment: Variant summary: JPH2 c.949G>A (p.Glu317Lys) results in a conservative amino acid change in the encoded protein sequence. Algorithms developed to predict the effect of missense changes on protein structure and function are either unavailable or do not agree on the potential impact of this missense change. The variant was absent in 249692 control chromosomes. The available data on variant occurrences in the general population are insufficient to allow any conclusion about variant significance. To our knowledge, no occurrence of c.949G>A in individuals affected with JPH2-related conditions and no experimental evidence demonstrating its impact on protein function have been reported. ClinVar contains an entry for this variant (Variation ID: 1009029). Based on the evidence outlined above, the variant was classified as uncertain significance.

Labcorp Genetics (formerly Invitae), Labcorp
Classification: Uncertain significance for Hypertrophic cardiomyopathy. Last evaluated: 2025-09-02. Review status: criteria provided, single submitter. Criteria: Invitae Variant Classification Sherloc (09022015). Collection method: clinical testing. Allele origin: germline.
Comment: This sequence change replaces glutamic acid, which is acidic and polar, with lysine, which is basic and polar, at codon 317 of the JPH2 protein (p.Glu317Lys). This variant is not present in population databases (gnomAD no frequency). This variant has not been reported in the literature in individuals affected with JPH2-related conditions. ClinVar contains an entry for this variant (Variation ID: 1009029). An algorithm developed to predict the effect of missense changes on protein structure and function (PolyPhen-2) suggests that this variant is likely to be disruptive. In summary, the available evidence is currently insufficient to determine the role of this variant in disease. Therefore, it has been classified as a Variant of Uncertain Significance.

Ambry Genetics
Classification: Uncertain significance for Cardiovascular phenotype. Last evaluated: 2023-06-15. Review status: criteria provided, single submitter. Criteria: Ambry Variant Classification Scheme 2023. Collection method: clinical testing. Allele origin: germline.
Comment: The p.E317K variant (also known as c.949G>A), located in coding exon 2 of the JPH2 gene, results from a G to A substitution at nucleotide position 949. The glutamic acid at codon 317 is replaced by lysine, an amino acid with similar properties. This amino acid position is highly conserved in available vertebrate species. In addition, the in silico prediction for this alteration is inconclusive. Since supporting evidence is limited at this time, the clinical significance of this alteration remains unclear.

Fulgent Genetics
Classification: Uncertain significance for Hypertrophic cardiomyopathy 17; Cardiomyopathy, dilated, 2E. Last evaluated: 2021-09-14. Review status: criteria provided, single submitter. Criteria: ACMG Guidelines, 2015. Collection method: clinical testing. Allele origin: unknown.

Literature cited by the submitters: PubMed 35238659 (cited by Ambry Genetics).